The following is an entry in ClinVar:

ClinVar aggregate classification (germline): Benign. Review status: criteria provided, multiple submitters, no conflicts (2 of 4 stars). 8 submissions from 8 submitters: Benign (6). 2 of the submissions do not count toward it. Last evaluated 2026-02-02.

Conditions:
Cranioectodermal dysplasia 1 (CED1). Also called: LEVIN SYNDROME I. Identifiers: Orphanet 1515, MedGen C0432235, MONDO:0021093, OMIM 218330.

Allele frequency attached by ClinVar (database versions not stated): gnomAD 0.13255 and 0.13063; TOPMed 0.13945; ESP Exome Variant Server 0.14109; 1000 Genomes Project 0.16893; 1000 Genomes Project 30x 0.17255; gnomAD exomes 0.11675; ExAC 0.12809.
gnomAD v4.1: 177,959 of 1,610,426 alleles (11%); highest among the groups gnomAD compares: South Asian, 25%; 12,066 homozygotes.

Submissions (8):

Labcorp Genetics (formerly Invitae), Labcorp
Classification: Benign for Cranioectodermal dysplasia 1. Last evaluated: 2026-02-02. Review status: criteria provided, single submitter. Criteria: Invitae Variant Classification Sherloc (09022015). Collection method: clinical testing. Allele origin: germline.

Blueprint Genetics
Classification: Benign. Last evaluated: 2024-11-26. Review status: criteria provided, single submitter. Criteria: ACMG Guidelines, 2015. Collection method: clinical testing. Allele origin: germline.

Genome-Nilou Lab
Classification: Benign for Cranioectodermal dysplasia 1. Last evaluated: 2021-08-10. Review status: criteria provided, single submitter. Criteria: ACMG Guidelines, 2015. Collection method: clinical testing. Allele origin: germline. Affected: no.

GeneDx
Classification: Benign. Last evaluated: 2017-09-13. Review status: criteria provided, single submitter. Criteria: GeneDx Variant Classification (06012015). Collection method: clinical testing. Allele origin: germline. Affected: yes.
Comment: This variant is considered likely benign or benign based on one or more of the following criteria: it is a conservative change, it occurs at a poorly conserved position in the protein, it is predicted to be benign by multiple in silico algorithms, and/or has population frequency not consistent with disease.

Breakthrough Genomics
Classification: Benign. Review status: criteria provided, single submitter. Criteria: ACMG Guidelines, 2015. Collection method: not provided. Allele origin: germline. Inheritance: Autosomal recessive inheritance. Affected: yes.

PreventionGenetics, part of Exact Sciences
Classification: Benign. Review status: criteria provided, single submitter. Criteria: ACMG Guidelines, 2015. Collection method: clinical testing. Allele origin: germline.

Clinical Genetics DNA and cytogenetics Diagnostics Lab, Erasmus MC, Erasmus Medical Center
Classification: Benign. Review status: no assertion criteria provided. Collection method: clinical testing. Allele origin: germline. Affected: yes. Study: VKGL Data-share Consensus. Not counted in ClinVar's aggregate classification.

Joint Genome Diagnostic Labs from Nijmegen and Maastricht, Radboudumc and MUMC+
Classification: Benign. Review status: no assertion criteria provided. Collection method: clinical testing. Allele origin: germline. Affected: yes. Study: VKGL Data-share Consensus. Not counted in ClinVar's aggregate classification.

NM_052989.3(IFT122):c.740+15G>A

Gene: IFT122 (intraflagellar transport 122; plus strand). Cytogenetic location: 3q21.3.
Variant type: single nucleotide variant.
Coding change: c.740+15G>A on transcript NM_052989.3 (MANE Select); 15 bases into the intron after coding-DNA position 740, G replaced by A.
Molecular consequence: intron variant.
Genome position (GRCh38, 1-based): chr3:129,467,081, G>A. VCF-style: chr3-129467081-G-A. GRCh37 (hg19) VCF-style: chr3-129185924-G-A.
Other names: c.290+15G>A (NM_001280545.2); c.893+15G>A (NM_052985.4); c.717-2261G>A (NM_001280541.2); c.564-2261G>A (NM_018262.4); c.114-2261G>A (NM_001280546.2); c.408-2261G>A (NM_052990.3).
Identifiers: ClinVar variation 262273 (VCV000262273.20), dbSNP rs56379561, ClinGen allele CA2605965.
Genomic context (GRCh38, chr3:129,467,081, plus strand): 5'-AGGAAGAACCAGAGGAAGAGGACGACAGTCCCAGGGACGACAACTTGTGAGTGTGTCCCA[G>A]TGAGTGGGAACCCTTCTGGTAAGGGCCCAGGCCCCACACAGACTTGCCAGGACAGATGTT-3'